The following is an entry in ClinVar:

ClinVar aggregate classification (germline): Uncertain significance. Review status: criteria provided, multiple submitters, no conflicts (2 of 4 stars). 4 submissions from 4 submitters: Uncertain significance (4). Last evaluated 2026-01-26.

Conditions:
Chondrodysplasia Blomstrand type (BOCD). Identifiers: Orphanet 50945, MedGen C1859148, MONDO:0008970, OMIM 215045.
Primary failure of tooth eruption. Also called: PRIMARY RETENTION OF TEETH; UNERUPTED SECOND PRIMARY MOLAR; DENTAL NONERUPTION; POSTERIOR OPENBITE MALOCCLUSION, FAMILIAL. Identifiers: Orphanet 412206, MedGen C1852222, MONDO:0007434, OMIM 125350.
Metaphyseal chondrodysplasia, Jansen type. Also called: PTH1R-Related Jansen Metaphyseal Chondrodysplasia; Metaphyseal chondrodysplasia Murk Jansen type. Identifiers: Orphanet 33067, MedGen C0265295, MONDO:0007982, OMIM 156400.
Eiken syndrome (EKNS). Also called: BONE MODELING DEFECT OF HANDS AND FEET. Identifiers: Orphanet 79106, MedGen C1838779, MONDO:0010803, OMIM 600002.

Allele frequency attached by ClinVar (database versions not stated): ExAC 0.00002; ESP Exome Variant Server 0.00008; 1000 Genomes Project 30x 0.00016; 1000 Genomes Project 0.00020.
gnomAD v4.1: 54 of 1,613,852 alleles (0.0033%); highest among the groups gnomAD compares: Middle Eastern, 0.016%; no homozygotes.

Submissions (4):

GeneDx
Classification: Uncertain significance. Last evaluated: 2026-01-26. Review status: criteria provided, single submitter. Criteria: GeneDx Variant Classification Process June 2021. Collection method: clinical testing. Allele origin: germline.
Comment: In silico analysis supports that this missense variant has a deleterious effect on protein structure/function; Has not been previously published as pathogenic or benign to our knowledge

Labcorp Genetics (formerly Invitae), Labcorp
Classification: Uncertain significance. Last evaluated: 2025-12-15. Review status: criteria provided, single submitter. Criteria: Invitae Variant Classification Sherloc (09022015). Collection method: clinical testing. Allele origin: germline.
Comment: This sequence change replaces alanine, which is neutral and non-polar, with threonine, which is neutral and polar, at codon 456 of the PTH1R protein (p.Ala456Thr). This variant is present in population databases (rs199614910, gnomAD 0.006%). This variant has not been reported in the literature in individuals affected with PTH1R-related conditions. ClinVar contains an entry for this variant (Variation ID: 1447094). Invitae Evidence Modeling of protein sequence and biophysical properties (such as structural, functional, and spatial information, amino acid conservation, physicochemical variation, residue mobility, and thermodynamic stability) has been performed for this missense variant. However, the output from this modeling did not meet the statistical confidence thresholds required to predict the impact of this variant on PTH1R protein function. Algorithms developed to predict the effect of sequence changes on RNA splicing suggest that this variant may disrupt the consensus splice site. In summary, the available evidence is currently insufficient to determine the role of this variant in disease. Therefore, it has been classified as a Variant of Uncertain Significance.

Fulgent Genetics
Classification: Uncertain significance for Primary failure of tooth eruption; Metaphyseal chondrodysplasia, Jansen type; Chondrodysplasia Blomstrand type; Eiken syndrome. Last evaluated: 2024-05-23. Review status: criteria provided, single submitter. Criteria: ACMG Guidelines, 2015. Collection method: clinical testing. Allele origin: germline.

Breakthrough Genomics
Classification: Uncertain significance. Review status: criteria provided, single submitter. Criteria: ACMG Guidelines, 2015. Collection method: not provided. Allele origin: germline. Inheritance: Autosomal recessive inheritance. Affected: yes.

NM_000316.3(PTH1R):c.1366G>A (p.Ala456Thr)

Gene: PTH1R (parathyroid hormone 1 receptor; plus strand). Cytogenetic location: 3p21.31.
Variant type: single nucleotide variant.
Coding change: c.1366G>A on transcript NM_000316.3 (MANE Select); coding-DNA position 1366, G replaced by A.
Protein change: p.Ala456Thr; replaces alanine 456 with threonine.
Molecular consequence: missense variant.
Genome position (GRCh38, 1-based): chr3:46,902,761, G>A. VCF-style: chr3-46902761-G-A. GRCh37 (hg19) VCF-style: chr3-46944251-G-A.
Other names: c.1366G>A, p.Ala456Thr (NM_001184744.1); c.1366G>A (NM_000316.2); short protein forms A456T.
Identifiers: ClinVar variation 1447094 (VCV001447094.9), dbSNP rs199614910, ClinGen allele CA2359508.